The following is an entry in ClinVar:

NM_001042492.3(NF1):c.3757C>T (p.Leu1253Phe)

Gene: NF1 (neurofibromin 1; plus strand). Cytogenetic location: 17q11.2.
Variant type: single nucleotide variant.
Coding change: c.3757C>T on transcript NM_001042492.3 (MANE Select); coding-DNA position 3757, C replaced by T.
Protein change: p.Leu1253Phe; replaces leucine 1253 with phenylalanine.
Molecular consequence: missense variant.
Genome position (GRCh38, 1-based): chr17:31,235,659, C>T. VCF-style: chr17-31235659-C-T. GRCh37 (hg19) VCF-style: chr17-29562677-C-T.
Other names: c.3757C>T, p.Leu1253Phe (NM_000267.4); short protein forms L1253F.
Identifiers: ClinVar variation 1003270 (VCV001003270.6), dbSNP rs2067186931, ClinGen allele CA398992490.

ClinVar aggregate classification (germline): Uncertain significance. Review status: criteria provided, multiple submitters, no conflicts (2 of 4 stars). 2 submissions from 2 submitters: Uncertain significance (2). Last evaluated 2024-03-20.

Conditions:
Hereditary cancer-predisposing syndrome. Also called: Hereditary neoplastic syndrome; Neoplastic Syndromes, Hereditary; Tumor predisposition; Hereditary Cancer Syndrome. Identifiers: Orphanet 140162, MedGen C0027672, MeSH D009386, MONDO:0015356.
Cardiovascular phenotype. Identifiers: MedGen CN230736.
Neurofibromatosis, type 1 (NF1). Also called: NEUROFIBROMATOSIS, TYPE I, SOMATIC; Peripheral type neurofibromatosis; VON RECKLINGHAUSEN DISEASE; Neurofibromatosis, type I. Identifiers: Orphanet 636, MedGen C0027831, MONDO:0018975, OMIM 162200. Disease mechanism: loss of function.

Submissions (2):

Labcorp Genetics (formerly Invitae), Labcorp
Classification: Uncertain significance for Neurofibromatosis, type 1. Last evaluated: 2024-03-20. Review status: criteria provided, single submitter. Criteria: Invitae Variant Classification Sherloc (09022015). Collection method: clinical testing. Allele origin: germline.
Comment: This sequence change replaces leucine, which is neutral and non-polar, with phenylalanine, which is neutral and non-polar, at codon 1253 of the NF1 protein (p.Leu1253Phe). This variant is not present in population databases (gnomAD no frequency). This variant has not been reported in the literature in individuals affected with NF1-related conditions. ClinVar contains an entry for this variant (Variation ID: 1003270). Advanced modeling of protein sequence and biophysical properties (such as structural, functional, and spatial information, amino acid conservation, physicochemical variation, residue mobility, and thermodynamic stability) performed at Invitae indicates that this missense variant is expected to disrupt NF1 protein function with a positive predictive value of 95%. In summary, the available evidence is currently insufficient to determine the role of this variant in disease. Therefore, it has been classified as a Variant of Uncertain Significance.

Ambry Genetics
Classification: Uncertain significance for Cardiovascular phenotype; Hereditary cancer-predisposing syndrome. Last evaluated: 2023-09-05. Review status: criteria provided, single submitter. Criteria: Ambry Variant Classification Scheme 2023. Collection method: clinical testing. Allele origin: germline.
Comment: The p.L1253F variant (also known as c.3757C>T), located in coding exon 28 of the NF1 gene, results from a C to T substitution at nucleotide position 3757. The leucine at codon 1253 is replaced by phenylalanine, an amino acid with highly similar properties. This alteration was detected in 1/1054 Hispanic BRCA1/2-negative probands with hereditary breast cancer and 0/1189 controls (Weitzel JN et al. Cancer, 2019 Aug;125:2829-2836). This amino acid position is highly conserved in available vertebrate species. In addition, this alteration is predicted to be deleterious by in silico analysis. Since supporting evidence is limited at this time, the clinical significance of this alteration remains unclear.